The following is an entry in ClinVar:

ClinVar aggregate classification (germline): Uncertain significance (1 of 4 stars; one submission).

Conditions:
Fabry disease. Also called: Fabry's disease; ALPHA-GALACTOSIDASE A DEFICIENCY; ANDERSON-FABRY DISEASE; Ceramide trihexosidosis; CERAMIDE TRIHEXOSIDASE DEFICIENCY; GLA DEFICIENCY. Identifiers: Orphanet 324, MedGen C0002986, MONDO:0010526, OMIM 301500, HP:0001071. Disease mechanism: Fabry disease is due to inactivating mutations in the X-linked GLA gene resulting in deficiency of the enzyme Alpha Galactosidase-A., loss of function.

Submission:

Labcorp Genetics (formerly Invitae), Labcorp
Classification: Uncertain significance for Fabry disease. Last evaluated: 2022-04-30. Review status: criteria provided, single submitter. Criteria: Invitae Variant Classification Sherloc (09022015). Collection method: clinical testing. Allele origin: germline.
Comment: In summary, the available evidence is currently insufficient to determine the role of this variant in disease. Therefore, it has been classified as a Variant of Uncertain Significance. Algorithms developed to predict the effect of missense changes on protein structure and function (SIFT, PolyPhen-2, Align-GVGD) all suggest that this variant is likely to be tolerated. This variant has not been reported in the literature in individuals affected with GLA-related conditions. This variant is not present in population databases (gnomAD no frequency). This sequence change replaces glycine, which is neutral and non-polar, with arginine, which is basic and polar, at codon 334 of the GLA protein (p.Gly334Arg).

NM_000169.3(GLA):c.1000G>A (p.Gly334Arg)

Genes: GLA (galactosidase alpha; minus strand), RPL36A-HNRNPH2 (RPL36A-HNRNPH2 readthrough; plus strand). Cytogenetic location: Xq22.1.
Variant type: single nucleotide variant.
Coding change: c.1000G>A on transcript NM_000169.3 (MANE Select); coding-DNA position 1000, G replaced by A.
Protein change: p.Gly334Arg; replaces glycine 334 with arginine.
Molecular consequence: missense variant. On other transcripts: non-coding transcript variant (3), intron variant (2).
Genome position (GRCh38, 1-based): chrX:101,398,099, C>T on the plus strand (G>A on the coding strand, the complement: GLA is on the minus strand). VCF-style: chrX-101398099-C-T. GRCh37 (hg19) VCF-style: chrX-100653087-C-T.
Other names: c.1123G>A, p.Gly375Arg (NM_001406747.1); c.300+2642C>T (NM_001199973.2); c.177+6277C>T (NM_001199974.2); short protein forms G334R, G375R.
Identifiers: ClinVar variation 1955660 (VCV001955660.5), dbSNP rs2520855305, ClinGen allele CA413921258.
Genomic context (GRCh38, chrX:101,398,099, plus strand): 5'-TCATAGCTACAGCCCAGGCTAAGCCTGAGAGAGGTCGTTCCCACACTTCAAAGTTGTCTC[C>T]CTGAAAAACCAAGAAAGTGTGGTTGCTTAGCAACTAGTGATAAGTGGCCCTGTTAGTTTG-3'
Protein context (NP_000160.1, residues 324-344): LGKQGYQLRQ[Gly334Arg]DNFEVWERPL